The following is an entry in ClinVar:

ClinVar aggregate classification (germline): Uncertain significance. Review status: criteria provided, multiple submitters, no conflicts (2 of 4 stars). 2 submissions from 2 submitters: Uncertain significance (2). Last evaluated 2026-08-27.

Conditions:
Hereditary cancer-predisposing syndrome. Also called: Hereditary Cancer Syndrome; Tumor predisposition; Neoplastic Syndromes, Hereditary; Hereditary neoplastic syndrome. Identifiers: Orphanet 140162, MedGen C0027672, MeSH D009386, MONDO:0015356.
Hereditary nonpolyposis colorectal neoplasms. Identifiers: MedGen C0009405, MeSH D003123.

Submissions (2):

Ambry Genetics
Classification: Uncertain significance for Hereditary cancer-predisposing syndrome. Last evaluated: 2026-08-27. Review status: criteria provided, single submitter. Criteria: Ambry Variant Classification Scheme 2023. Collection method: clinical testing. Allele origin: germline.
Comment: The p.E1193A variant (also known as c.3578A>C), located in coding exon 7 of the MSH6 gene, results from an A to C substitution at nucleotide position 3578. The glutamic acid at codon 1193 is replaced by alanine, an amino acid with dissimilar properties. Based on internal structural analysis using published crystal structures, this variant is anticipated to result in a significant decrease in structural stability (Warren JJ et al. Mol. Cell, 2007 May;26:579-92). This amino acid position is highly conserved in available vertebrate species. In addition, this alteration is predicted to be deleterious by in silico analysis. Based on the available evidence, the clinical significance of this variant remains unclear.

Labcorp Genetics (formerly Invitae), Labcorp
Classification: Uncertain significance for Hereditary nonpolyposis colorectal neoplasms. Last evaluated: 2023-09-17. Review status: criteria provided, single submitter. Criteria: Invitae Variant Classification Sherloc (09022015). Collection method: clinical testing. Allele origin: germline.
Comment: This sequence change replaces glutamic acid, which is acidic and polar, with alanine, which is neutral and non-polar, at codon 1193 of the MSH6 protein (p.Glu1193Ala). This variant is not present in population databases (gnomAD no frequency). This variant has not been reported in the literature in individuals affected with MSH6-related conditions. ClinVar contains an entry for this variant (Variation ID: 1477689). Advanced modeling of protein sequence and biophysical properties (such as structural, functional, and spatial information, amino acid conservation, physicochemical variation, residue mobility, and thermodynamic stability) performed at Invitae indicates that this missense variant is expected to disrupt MSH6 protein function. This variant disrupts the p.Glu1193 amino acid residue in MSH6. Other variant(s) that disrupt this residue have been determined to be pathogenic (PMID: 15354210, 16885385, 28531214). This suggests that this residue is clinically significant, and that variants that disrupt this residue are likely to be disease-causing. In summary, the available evidence is currently insufficient to determine the role of this variant in disease. Therefore, it has been classified as a Variant of Uncertain Significance.

Literature cited by the submitters: PubMed 17531815 (cited by Ambry Genetics); PubMed 15354210 (cited by Labcorp Genetics (formerly Invitae), Labcorp); PubMed 16885385 (cited by Labcorp Genetics (formerly Invitae), Labcorp); PubMed 28531214 (cited by Labcorp Genetics (formerly Invitae), Labcorp).

NM_000179.3(MSH6):c.3578A>C (p.Glu1193Ala)

Gene: MSH6 (mutS homolog 6; plus strand). Cytogenetic location: 2p16.3.
Variant type: single nucleotide variant.
Coding change: c.3578A>C on transcript NM_000179.3 (MANE Select); coding-DNA position 3578, A replaced by C.
Protein change: p.Glu1193Ala; replaces glutamic acid 1193 with alanine.
Molecular consequence: missense variant.
Genome position (GRCh38, 1-based): chr2:47,805,639, A>C. VCF-style: chr2-47805639-A-C. GRCh37 (hg19) VCF-style: chr2-48032778-A-C.
Other names: c.3188A>C, p.Glu1063Ala (NM_001281492.2); c.2672A>C, p.Glu891Ala (NM_001281493.2, NM_001281494.2); short protein forms E1063A, E891A, E1193A.
Identifiers: ClinVar variation 1477689 (VCV001477689.9), dbSNP rs2104522976, ClinGen allele CA346760508.
Genomic context (GRCh38, chr2:47,805,639, plus strand): 5'-GCAAAATGAGTATTCATTTGTGATTTTTTTTTTTTTAAGGTGAAAGTACATTTTTTGTTG[A>C]ATTAAGTGAAACTGCCAGCATACTCATGCATGCAACAGCACATTCTCTGGTGCTTGTGGA-3'
Protein context (NP_000170.1, residues 1183-1203): IMSGESTFFV[Glu1193Ala]LSETASILMH